The following is an entry in ClinVar:

ClinVar aggregate classification (germline): Uncertain significance (1 of 4 stars; one submission).

gnomAD v4.1: 1 of 1,613,496 alleles (0.000062%); highest among the groups gnomAD compares: Non-Finnish European, 0.000085%; no homozygotes.

Submission:

Greenwood Genetic Center Diagnostic Laboratories, Greenwood Genetic Center
Classification: Uncertain significance. Last evaluated: 2026-04-01. Review status: criteria provided, single submitter. Criteria: ACMG Guidelines, 2015. Collection method: clinical testing. Allele origin: germline.
Comment: PM2

NM_005045.4(RELN):c.4747+38A>G

Gene: RELN (reelin; minus strand). Cytogenetic location: 7q22.1.
Variant type: single nucleotide variant.
Coding change: c.4747+38A>G on transcript NM_005045.4 (MANE Select); 38 bases into the intron after coding-DNA position 4747, A replaced by G.
Molecular consequence: intron variant.
Genome position (GRCh38, 1-based): chr7:103,566,563, T>C on the plus strand (A>G on the coding strand, the complement: RELN is on the minus strand). VCF-style: chr7-103566563-T-C. GRCh37 (hg19) VCF-style: chr7-103207010-T-C.
Other names: c.4747+38A>G (NM_173054.3).
Identifiers: ClinVar variation 4891076 (VCV004891076.1).